The following is an entry in ClinVar:

ClinVar aggregate classification (germline): Uncertain significance. Review status: criteria provided, multiple submitters, no conflicts (2 of 4 stars). 2 submissions from 2 submitters: Uncertain significance (2). Last evaluated 2024-11-06.

Allele frequency attached by ClinVar (database versions not stated): gnomAD exomes 0.00001; ExAC 0.00002; gnomAD 0.00005; TOPMed 0.00005.
gnomAD v4.1: 17 of 1,614,074 alleles (0.0011%); highest among the groups gnomAD compares: African/African-American, 0.016%; no homozygotes.

Submissions (2):

Labcorp Genetics (formerly Invitae), Labcorp
Classification: Uncertain significance. Last evaluated: 2024-11-06. Review status: criteria provided, single submitter. Criteria: Invitae Variant Classification Sherloc (09022015). Collection method: clinical testing. Allele origin: germline.
Comment: This sequence change replaces asparagine, which is neutral and polar, with serine, which is neutral and polar, at codon 439 of the LIPG protein (p.Asn439Ser). This variant is present in population databases (rs750339464, gnomAD 0.03%). This variant has not been reported in the literature in individuals affected with LIPG-related conditions. ClinVar contains an entry for this variant (Variation ID: 2890014). An algorithm developed to predict the effect of missense changes on protein structure and function outputs the following: PolyPhen-2: "Benign". The serine amino acid residue is found in multiple mammalian species, which suggests that this missense change does not adversely affect protein function. In summary, the available evidence is currently insufficient to determine the role of this variant in disease. Therefore, it has been classified as a Variant of Uncertain Significance.

Ambry Genetics
Classification: Uncertain significance. Last evaluated: 2024-10-20. Review status: criteria provided, single submitter. Criteria: Ambry Variant Classification Scheme 2023. Collection method: clinical testing. Allele origin: germline.

NM_006033.4(LIPG):c.1316A>G (p.Asn439Ser)

Gene: LIPG (lipase G, endothelial type; plus strand). Cytogenetic location: 18q21.1.
Variant type: single nucleotide variant.
Coding change: c.1316A>G on transcript NM_006033.4 (MANE Select); coding-DNA position 1316, A replaced by G.
Protein change: p.Asn439Ser; replaces asparagine 439 with serine.
Molecular consequence: missense variant.
Genome position (GRCh38, 1-based): chr18:49,583,714, A>G. VCF-style: chr18-49583714-A-G. GRCh37 (hg19) VCF-style: chr18-47110084-A-G.
Other names: c.1316A>G (NM_006033.2); c.1094A>G, p.Asn365Ser (NM_001308006.2); short protein forms N365S, N439S.
Identifiers: ClinVar variation 2890014 (VCV002890014.4), dbSNP rs750339464, ClinGen allele CA8959357.